The following is an entry in ClinVar:

ClinVar aggregate classification (germline): Likely pathogenic (1 of 4 stars; one submission).

Conditions:
Muscular dystrophy, limb-girdle, autosomal recessive 23. Identifiers: Orphanet 565837, MedGen C4748327, MONDO:0029136, OMIM 618138.
Merosin deficient congenital muscular dystrophy (MDC1A). Also called: Congenital merosin-deficient muscular dystrophy 1A; Congenital Muscular Dystrophy Type 1A (MDC1A). Identifiers: Orphanet 258, MedGen C1263858, MONDO:0011925, OMIM 607855.

Submission:

Kariminejad - Najmabadi Pathology & Genetics Center
Classification: Likely pathogenic for Merosin deficient congenital muscular dystrophy; Muscular dystrophy, limb-girdle, autosomal recessive 23. Last evaluated: 2023-12-09. Review status: criteria provided, single submitter. Criteria: ACMG Guidelines, 2015. Collection method: clinical testing. Allele origin: germline. Inheritance: Autosomal recessive inheritance. Affected: yes.
Comment: PVS1_very strong,PM2

NM_000426.4(LAMA2):c.6714dup (p.Arg2239fs)

Gene: LAMA2 (laminin subunit alpha 2; plus strand). Cytogenetic location: 6q22.33.
Variant type: Duplication.
Coding change: c.6714dup on transcript NM_000426.4 (MANE Select); coding-DNA position 6714, one base duplicated (G; older notation c.6714dupG).
Protein change: p.Arg2239fs; shifts the reading frame from arginine 2239.
Molecular consequence: frameshift variant.
Genome position (GRCh38, 1-based): chr6:129,456,341, G duplicated; the last of 3 consecutive G bases (chr6:129,456,339-129,456,341); duplicating any one gives the same sequence. VCF-style (leftmost placement, unchanged base first): chr6-129456338-T-TG. GRCh37 (hg19) VCF-style: chr6-129777483-T-TG.
Other names: c.6714dup, p.Arg2239fs (NM_001079823.2); short protein forms R2239fs.
Identifiers: ClinVar variation 3896897 (VCV003896897.1).